The following is an entry in ClinVar:

NM_001130438.3(SPTAN1):c.1378A>G (p.Arg460Gly)

Gene: SPTAN1 (spectrin alpha, non-erythrocytic 1; plus strand). Cytogenetic location: 9q34.11.
Variant type: single nucleotide variant.
Coding change: c.1378A>G on transcript NM_001130438.3 (MANE Select); coding-DNA position 1378, A replaced by G.
Protein change: p.Arg460Gly; replaces arginine 460 with glycine.
Molecular consequence: missense variant.
Genome position (GRCh38, 1-based): chr9:128,580,976, A>G. VCF-style: chr9-128580976-A-G. GRCh37 (hg19) VCF-style: chr9-131343255-A-G.
Other names: c.1378A>G, p.Arg460Gly (NM_001195532.2, NM_001363759.2, NM_001363765.2 and 5 more transcripts); c.1414A>G, p.Arg472Gly (NM_001375312.2, NM_001375318.1); short protein forms R472G, R460G.
Identifiers: ClinVar variation 2769933 (VCV002769933.3), dbSNP rs2541118523, ClinGen allele CA375053471.
Genomic context (GRCh38, chr9:128,580,976, plus strand): 5'-CCCAAGCTGACCGTCCTTTCCGAGGAGAGAGCGGCGCTGCTGGAGCTGTGGGAGCTGCGC[A>G]GGCAGCAGTACGAGCAGTGCATGGACCTGCAGCTCTTCTACCGGGACACTGAGCAGGTGG-3'
Protein context (NP_001123910.1, residues 450-470): AALLELWELR[Arg460Gly]QQYEQCMDLQ

ClinVar aggregate classification (germline): Uncertain significance (1 of 4 stars; one submission).

Conditions:
Early-infantile DEE. Also called: Ohtahara syndrome; Early infantile epileptic encephalopathy; Early infantile epileptic encephalopathy with suppression bursts. Identifiers: Orphanet 1934, MedGen C0393706, MONDO:0800491.

Submission:

Labcorp Genetics (formerly Invitae), Labcorp
Classification: Uncertain significance for Early-infantile DEE. Last evaluated: 2023-06-25. Review status: criteria provided, single submitter. Criteria: Invitae Variant Classification Sherloc (09022015). Collection method: clinical testing. Allele origin: germline.
Comment: This variant is not present in population databases (gnomAD no frequency). This sequence change replaces arginine, which is basic and polar, with glycine, which is neutral and non-polar, at codon 460 of the SPTAN1 protein (p.Arg460Gly). This variant has not been reported in the literature in individuals affected with SPTAN1-related conditions. In summary, the available evidence is currently insufficient to determine the role of this variant in disease. Therefore, it has been classified as a Variant of Uncertain Significance. Advanced modeling of protein sequence and biophysical properties (such as structural, functional, and spatial information, amino acid conservation, physicochemical variation, residue mobility, and thermodynamic stability) has been performed at Invitae for this missense variant, however the output from this modeling did not meet the statistical confidence thresholds required to predict the impact of this variant on SPTAN1 protein function.